The following is an entry in ClinVar:

ClinVar aggregate classification (germline): Uncertain significance (1 of 4 stars; one submission).

Conditions:
BBS9-related disorder. Also called: BBS9-related condition.

gnomAD v4.1: 1 of 1,613,142 alleles (0.000062%); highest among the groups gnomAD compares: Admixed American, 0.0017%; no homozygotes.

Submission:

PreventionGenetics, part of Exact Sciences
Classification: Uncertain significance for BBS9-related condition. Last evaluated: 2026-05-21. Review status: criteria provided, single submitter. Criteria: ACMG Guidelines, 2015. Collection method: clinical testing. Allele origin: germline.
Comment: The BBS9 c.1140A>T variant is predicted to result in the amino acid substitution p.Glu380Asp. To our knowledge, this variant has not been reported in the literature or in a large population database (gnomAD), indicating this variant is rare. At this time, the clinical significance of this variant is uncertain due to the absence of conclusive functional and genetic evidence.

NM_198428.3(BBS9):c.1140A>T (p.Glu380Asp)

Gene: BBS9 (Bardet-Biedl syndrome 9; plus strand). Cytogenetic location: 7p14.3.
Variant type: single nucleotide variant.
Coding change: c.1140A>T on transcript NM_198428.3 (MANE Select); coding-DNA position 1140, A replaced by T.
Protein change: p.Glu380Asp; replaces glutamic acid 380 with aspartic acid.
Molecular consequence: missense variant. On other transcripts: non-coding transcript variant (3).
Genome position (GRCh38, 1-based): chr7:33,336,564, A>T. VCF-style: chr7-33336564-A-T. GRCh37 (hg19) VCF-style: chr7-33376176-A-T.
Other names: c.1140A>T, p.Glu380Asp (NM_001033604.2, NM_001033605.2, NM_001348036.1 and 5 more transcripts); c.774A>T, p.Glu258Asp (NM_001348037.3, NM_001348044.3, NM_001348045.3 and 1 more transcripts); c.867A>T, p.Glu289Asp (NM_001348038.3, NM_001348039.3); c.1005A>T, p.Glu335Asp (NM_001348042.3); short protein forms E380D, E289D, E335D, E258D.
Identifiers: ClinVar variation 4986617 (VCV004986617.1).
Genomic context (GRCh38, chr7:33,336,564, plus strand): 5'-GACAGATCCTTCTCTGTTCCAAGCTCCAAACGTTCAATCTCGAGAACTAAACTATGATGA[A>T]CTTGATGTAGAAATGAAAGAACTTCAGAAAATCATCAAAGATGTTAACAAATCACAAGGT-3'
Protein context (NP_940820.1, residues 370-390): NVQSRELNYD[Glu380Asp]LDVEMKELQK